The following is an entry in ClinVar:

NM_000179.3(MSH6):c.3693_3694insTAA (p.Val1232Ter)

Gene: MSH6 (mutS homolog 6; plus strand). Cytogenetic location: 2p16.3.
Variant type: Insertion.
Coding change: c.3693_3694insTAA on transcript NM_000179.3 (MANE Select); coding-DNA positions 3693 to 3694, TAA inserted.
Protein change: p.Val1232Ter; replaces valine 1232 with a stop codon.
Molecular consequence: nonsense. On other transcripts: inframe indel (38).
Genome position: GRCh38 VCF-style: chr2-47806250-T-TTAA. GRCh37 (hg19) VCF-style: chr2-48033389-T-TTAA.
Other names: c.2787_2788insTAA, p.Val930Ter (NM_001281494.2, NM_001281493.2); c.3303_3304insTAA, p.Val1102Ter (NM_001281492.2); c.3789_3790insTAA, p.Val1264_Leu1392del (NM_001406795.1); c.3615_3616insTAA, p.Val1206_Leu1334del (NM_001406804.1); c.3396_3397insTAA, p.Val1133_Leu1261del (NM_001406805.1, NM_001406818.1, NM_001406819.1 and 8 more transcripts); c.3168_3169insTAA, p.Val1057_Leu1185del (NM_001406806.1, NM_001406807.1, NM_001406799.1); c.3693_3694insTAA, p.Val1232_Gly1337del (NM_001406808.1); c.3693_3694insTAA, p.Val1232_Leu1360del (NM_001406809.1, NM_001406796.1); and 12 more; short protein forms V930*, V1232*, V1102*.
Identifiers: ClinVar variation 1733980 (VCV001733980.2), dbSNP rs1670044220, ClinGen allele CA2580067286.
Genomic context (GRCh38, chr2:47,806,250, plus strand): 5'-TTTTACTTTAACAGGAAGAGGTACTGCAACATTTGATGGGACGGCAATAGCAAATGCAGT[T>TTAA]GTTAAAGAACTTGCTGAGACTATAAAATGTCGTACATTATTTTCAACTCACTACCATTCA-3'

ClinVar aggregate classification (germline): Pathogenic (1 of 4 stars; one submission).

Conditions:
Hereditary cancer-predisposing syndrome. Also called: Neoplastic Syndromes, Hereditary; Tumor predisposition; Hereditary Cancer Syndrome; Hereditary neoplastic syndrome. Identifiers: Orphanet 140162, MedGen C0027672, MeSH D009386, MONDO:0015356.

Submission:

Ambry Genetics
Classification: Pathogenic for Hereditary cancer-predisposing syndrome. Last evaluated: 2018-10-01. Review status: criteria provided, single submitter. Criteria: Ambry Variant Classification Scheme 2023. Collection method: clinical testing. Allele origin: germline.
Comment: The p.V1232* pathogenic mutation (also known as c.3693_3694insTAA), located in coding exon 8 of the MSH6 gene, results from the insertion of a stop codon within coding exon 8. This alteration is expected to result in loss of function by premature protein truncation or nonsense-mediated mRNA decay. As such, this alteration is interpreted as a disease-causing mutation.